The following is an entry in ClinVar:

ClinVar aggregate classification (germline): Uncertain significance (1 of 4 stars; one submission).

gnomAD v4.1: 16 of 1,578,194 alleles (0.001%); highest among the groups gnomAD compares: Non-Finnish European, 0.0014%; no homozygotes.

Submission:

GeneDx
Classification: Uncertain significance. Last evaluated: 2024-11-07. Review status: criteria provided, single submitter. Criteria: GeneDx Variant Classification Process June 2021. Collection method: clinical testing. Allele origin: germline. Affected: yes.
Comment: Not observed at significant frequency in large population cohorts (gnomAD); In silico analysis supports that this missense variant has a deleterious effect on protein structure/function; Has not been previously published as pathogenic or benign to our knowledge

NM_001039141.3(TRIOBP):c.5791G>C (p.Gly1931Arg)

Gene: TRIOBP (TRIO and F-actin binding protein; plus strand). Cytogenetic location: 22q13.1.
Variant type: single nucleotide variant.
Coding change: c.5791G>C on transcript NM_001039141.3 (MANE Select); coding-DNA position 5791, G replaced by C.
Protein change: p.Gly1931Arg; replaces glycine 1931 with arginine.
Molecular consequence: missense variant.
Genome position (GRCh38, 1-based): chr22:37,757,716, G>C. VCF-style: chr22-37757716-G-C. GRCh37 (hg19) VCF-style: chr22-38153723-G-C.
Other names: c.652G>C, p.Gly218Arg (NM_007032.5, NM_138632.2); short protein forms G1931R, G218R.
Identifiers: ClinVar variation 3898937 (VCV003898937.1).